The following is an entry in ClinVar:

NM_002282.3(KRT83):c.801G>T (p.Lys267Asn)

Gene: KRT83 (keratin 83; minus strand). Cytogenetic location: 12q13.13.
Variant type: single nucleotide variant.
Coding change: c.801G>T on transcript NM_002282.3 (MANE Select); coding-DNA position 801, G replaced by T.
Protein change: p.Lys267Asn; replaces lysine 267 with asparagine.
Molecular consequence: missense variant.
Genome position (GRCh38, 1-based): chr12:52,316,973, C>A on the plus strand (G>T on the coding strand, the complement: KRT83 is on the minus strand). VCF-style: chr12-52316973-C-A. GRCh37 (hg19) VCF-style: chr12-52710757-C-A.
Other names: short protein forms K267N.
Identifiers: ClinVar variation 3617122 (VCV003617122.2).

ClinVar aggregate classification (germline): Uncertain significance (1 of 4 stars; one submission).

gnomAD v4.1: 29 of 1,614,104 alleles (0.0018%); highest among the groups gnomAD compares: African/African-American, 0.029%; no homozygotes.

Submission:

Labcorp Genetics (formerly Invitae), Labcorp
Classification: Uncertain significance. Last evaluated: 2024-09-01. Review status: criteria provided, single submitter. Criteria: Invitae Variant Classification Sherloc (09022015). Collection method: clinical testing. Allele origin: germline.
Comment: This sequence change replaces lysine, which is basic and polar, with asparagine, which is neutral and polar, at codon 267 of the KRT83 protein (p.Lys267Asn). This variant is present in population databases (rs200304640, gnomAD 0.04%). This variant has not been reported in the literature in individuals affected with KRT83-related conditions. Invitae Evidence Modeling of protein sequence and biophysical properties (such as structural, functional, and spatial information, amino acid conservation, physicochemical variation, residue mobility, and thermodynamic stability) indicates that this missense variant is not expected to disrupt KRT83 protein function with a negative predictive value of 80%. In summary, the available evidence is currently insufficient to determine the role of this variant in disease. Therefore, it has been classified as a Variant of Uncertain Significance.